The following is an entry in ClinVar:

NM_001367561.1(DOCK7):c.560del (p.Pro187fs)

Gene: DOCK7 (dedicator of cytokinesis 7; minus strand). Cytogenetic location: 1p31.3.
Variant type: Deletion.
Coding change: c.560del on transcript NM_001367561.1 (MANE Select); coding-DNA position 560, one base deleted (C; older notation c.560delC).
Protein change: p.Pro187fs; shifts the reading frame from proline 187.
Molecular consequence: frameshift variant.
Genome position (GRCh38, 1-based): chr1:62,648,278, G deleted on the plus strand (C on the coding strand, the reverse complement: DOCK7 is on the minus strand); the first of 4 consecutive G bases (chr1:62,648,278-62,648,281); deleting any one gives the same sequence. VCF-style (leftmost placement, unchanged base first): chr1-62648277-TG-T. GRCh37 (hg19) VCF-style: chr1-63113948-TG-T.
Other names: c.560del, p.Pro187fs (NM_001271999.2, NM_001272000.2, NM_001272001.2 and 3 more transcripts); short protein forms P187fs.
Identifiers: ClinVar variation 4733791 (VCV004733791.1).
Genomic context (GRCh38, chr1:62,648,277, plus strand): 5'-AAGCAAAGCATCAGGAAGTGAATTTTTCAAGTCAAAGATACTACAGGCCCAGCTACCCCT[TG>T]GGGTATCATCTATTGACATTGAACGTCTTTTAAGGTCATCCTGTCATGCAAAACATTAAA-3'

ClinVar aggregate classification (germline): Pathogenic (1 of 4 stars; one submission).

Conditions:
Developmental and epileptic encephalopathy, 23 (DEE23). Also called: Epileptic encephalopathy, early infantile, 23. Identifiers: Orphanet 411986, MedGen C4014492, MONDO:0014371, OMIM 615859.

Submission:

Labcorp Genetics (formerly Invitae), Labcorp
Classification: Pathogenic for Developmental and epileptic encephalopathy, 23. Last evaluated: 2025-12-23. Review status: criteria provided, single submitter. Criteria: Invitae Variant Classification Sherloc (09022015). Collection method: clinical testing. Allele origin: germline.
Comment: This sequence change creates a premature translational stop signal (p.Pro187Glnfs*12) in the DOCK7 gene. It is expected to result in an absent or disrupted protein product. Loss-of-function variants in DOCK7 are known to be pathogenic (PMID: 24814191). This variant is not present in population databases (gnomAD no frequency). This variant has not been reported in the literature in individuals affected with DOCK7-related conditions. For these reasons, this variant has been classified as Pathogenic.

Literature cited by the submitters: PubMed 24814191.